The following is an entry in ClinVar:

NM_000089.4(COL1A2):c.3034G>C (p.Gly1012Arg)

Gene: COL1A2 (collagen type I alpha 2 chain; plus strand). Cytogenetic location: 7q21.3.
Variant type: single nucleotide variant.
Coding change: c.3034G>C on transcript NM_000089.4 (MANE Select); coding-DNA position 3034, G replaced by C.
Protein change: p.Gly1012Arg; replaces glycine 1012 with arginine.
Molecular consequence: missense variant.
Genome position (GRCh38, 1-based): chr7:94,426,459, G>C. VCF-style: chr7-94426459-G-C. GRCh37 (hg19) VCF-style: chr7-94055771-G-C.
Other names: short protein forms G1012R.
Identifiers: ClinVar variation 17235 (VCV000017235.2), dbSNP rs72659319, ClinGen allele CA257745.

ClinVar aggregate classification (germline): Pathogenic. Review status: criteria provided, single submitter (1 of 4 stars). 2 submissions from 2 submitters: Pathogenic (1). 1 of the submissions does not count toward it. Last evaluated 2016-05-16.

Conditions:
Osteogenesis imperfecta with normal sclerae, dominant form (OI4). Also called: OSTEOGENESIS IMPERFECTA WITH NORMAL SCLERAE; OSTEOGENESIS IMPERFECTA, TYPE IV, WITH DENTINOGENESIS IMPERFECTA; Osteogenesis imperfecta type 4; Osteogenesis Imperfecta Type IV; Common Variable Osteogenesis Imperfecta with Normal Sclerae. Identifiers: Orphanet 216820, Orphanet 666, MedGen C0268363, MONDO:0008148, OMIM 166220.

Submissions (2):

GeneDx
Classification: Pathogenic. Last evaluated: 2016-05-16. Review status: criteria provided, single submitter. Criteria: GeneDx Variant Classification (06012015). Collection method: clinical testing. Allele origin: germline. Affected: yes.
Comment: The G1012R pathogenic variant in the COL1A2 gene has been reported previously in the heterozygous state in association with osteogenesis imperfecta (Roschger et al., 2008; Wenstrup et al., 1998). Functional studies demonstrate that this variant disrupts a Gly-X-Y triplet in the triple helical domain of the COL1A2 protein and produces abnormal collagen molecules, resulting in aberrant accumulation and organization of collagen fibers (Wenstrup et al., 1988). The G1012R variant was not observed in approximately 6500 individuals of European and African American ancestry in the NHLBI Exome Sequencing Project, indicating it is not a common benign variant in these populations. This variant is a non-conservative amino acid substitution and occurs at a position that is conserved across species. A missense variant in the same residue (G1012S) has been reported in the Human Gene Mutation Database in association with osteogenesis imperfecta (Stenson et al., 2014), supporting the functional importance of this residue of the protein. We interpret G1012R as a pathogenic variant

OMIM
Classification: Pathogenic for OSTEOGENESIS IMPERFECTA, TYPE IV. Last evaluated: 1993-01-15. Review status: no assertion criteria provided. Collection method: literature only. Allele origin: germline. Not counted in ClinVar's aggregate classification.

Literature cited by the submitters: PubMed 8456807 (cited by OMIM).